The following is an entry in ClinVar:

ClinVar aggregate classification (germline): Uncertain significance (1 of 4 stars; one submission).

Submission:

Labcorp Genetics (formerly Invitae), Labcorp
Classification: Uncertain significance. Last evaluated: 2022-03-27. Review status: criteria provided, single submitter. Criteria: Invitae Variant Classification Sherloc (09022015). Collection method: clinical testing. Allele origin: germline.
Comment: In summary, the available evidence is currently insufficient to determine the role of this variant in disease. Therefore, it has been classified as a Variant of Uncertain Significance. Algorithms developed to predict the effect of missense changes on protein structure and function (SIFT, PolyPhen-2, Align-GVGD) all suggest that this variant is likely to be tolerated. This variant has not been reported in the literature in individuals affected with PTPN23-related conditions. This variant is not present in population databases (gnomAD no frequency). This sequence change replaces glutamic acid, which is acidic and polar, with glutamine, which is neutral and polar, at codon 1161 of the PTPN23 protein (p.Glu1161Gln).

NM_015466.4(PTPN23):c.3481G>C (p.Glu1161Gln)

Gene: PTPN23 (protein tyrosine phosphatase non-receptor type 23; plus strand). Cytogenetic location: 3p21.31.
Variant type: single nucleotide variant.
Coding change: c.3481G>C on transcript NM_015466.4 (MANE Select); coding-DNA position 3481, G replaced by C.
Protein change: p.Glu1161Gln; replaces glutamic acid 1161 with glutamine.
Molecular consequence: missense variant.
Genome position (GRCh38, 1-based): chr3:47,411,279, G>C. VCF-style: chr3-47411279-G-C. GRCh37 (hg19) VCF-style: chr3-47452769-G-C.
Other names: c.3103G>C, p.Glu1035Gln (NM_001304482.2); short protein forms E1035Q, E1161Q.
Identifiers: ClinVar variation 2118174 (VCV002118174.4), dbSNP rs2546253706, ClinGen allele CA352562384.